The following is an entry in ClinVar:

ClinVar aggregate classification (germline): Pathogenic (1 of 4 stars; one submission).

Conditions:
Hereditary nonpolyposis colorectal neoplasms. Identifiers: MedGen C0009405, MeSH D003123.

Submission:

Labcorp Genetics (formerly Invitae), Labcorp
Classification: Pathogenic for Hereditary nonpolyposis colorectal neoplasms. Last evaluated: 2020-10-11. Review status: criteria provided, single submitter. Criteria: Invitae Variant Classification Sherloc (09022015). Collection method: clinical testing. Allele origin: germline.
Comment: For these reasons, this variant has been classified as Pathogenic. Loss-of-function variants in MSH6 are known to be pathogenic (PMID: 18269114, 24362816). This variant has not been reported in the literature in individuals with MSH6-related conditions. This variant is not present in population databases (ExAC no frequency). This sequence change creates a premature translational stop signal (p.Glu1022Lysfs*8) in the MSH6 gene. It is expected to result in an absent or disrupted protein product.

Literature cited by the submitters: PubMed 18269114; PubMed 24362816.

NM_000179.3(MSH6):c.3064del (p.Glu1022fs)

Gene: MSH6 (mutS homolog 6; plus strand). Cytogenetic location: 2p16.3.
Variant type: Deletion.
Coding change: c.3064del on transcript NM_000179.3 (MANE Select); coding-DNA position 3064, one base deleted (G; older notation c.3064delG).
Protein change: p.Glu1022fs; shifts the reading frame from glutamic acid 1022.
Molecular consequence: frameshift variant.
Genome position (GRCh38, 1-based): chr2:47,801,047, G deleted. VCF-style (leftmost placement, unchanged base first): chr2-47801046-TG-T. GRCh37 (hg19) VCF-style: chr2-48028185-TG-T.
Other names: c.2674del, p.Glu892fs (NM_001281492.2); c.2158del, p.Glu720fs (NM_001281493.2, NM_001281494.2); short protein forms E1022fs, E720fs, E892fs.
Identifiers: ClinVar variation 1071846 (VCV001071846.7), dbSNP rs2104438511, ClinGen allele CA2499216118.
Genomic context (GRCh38, chr2:47,801,046, plus strand): 5'-GGGCTGTAAACGATACTGGACCAAAACTATTGAAAAGAAGTTGGCTAATCTCATAAATGC[TG>T]AAGAACGGAGGGATGTATCATTGAAGGACTGCATGCGGCGACTGTTCTATAACTTTGATA-3'